The following is an entry in ClinVar:

ClinVar aggregate classification (germline): Benign/Likely benign. Review status: criteria provided, multiple submitters, no conflicts (2 of 4 stars). 5 submissions from 5 submitters: Benign (2); Likely benign (3). Last evaluated 2026-02-05.

Conditions:
Hereditary cancer-predisposing syndrome. Also called: Hereditary Cancer Syndrome; Neoplastic Syndromes, Hereditary; Tumor predisposition; Hereditary neoplastic syndrome. Identifiers: Orphanet 140162, MedGen C0027672, MeSH D009386, MONDO:0015356.
Tuberous sclerosis 2 (TSC2). Identifiers: Orphanet 805, MedGen C1860707, MONDO:0013199, OMIM 613254.

Allele frequency attached by ClinVar (database versions not stated): gnomAD exomes below 0.00001; TOPMed below 0.00001; gnomAD 0.00001.
gnomAD v4.1: 3 of 1,613,472 alleles (0.00019%); highest among the groups gnomAD compares: East Asian, 0.0022%; no homozygotes.

Submissions (5):

Women's Health and Genetics/Laboratory Corporation of America, LabCorp
Classification: Likely benign. Last evaluated: 2026-02-05. Review status: criteria provided, single submitter. Criteria: LabCorp Variant Classification Summary - May 2015. Collection method: clinical testing. Allele origin: germline.

Myriad Genetics, Inc.
Classification: Benign for Tuberous sclerosis 2. Last evaluated: 2025-05-19. Review status: criteria provided, single submitter. Criteria: Myriad Autosomal Dominant, Autosomal Recessive and X-Linked Classification Criteria (2023). Collection method: clinical testing. Allele origin: unknown.
Comment: This variant is considered benign. This variant is a silent/synonymous amino acid change and it is not expected to impact splicing.

Labcorp Genetics (formerly Invitae), Labcorp
Classification: Likely benign for Tuberous sclerosis 2. Last evaluated: 2024-10-18. Review status: criteria provided, single submitter. Criteria: Invitae Variant Classification Sherloc (09022015). Collection method: clinical testing. Allele origin: germline.

Genome-Nilou Lab
Classification: Benign for Tuberous sclerosis 2. Last evaluated: 2021-11-07. Review status: criteria provided, single submitter. Criteria: ACMG Guidelines, 2015. Collection method: clinical testing. Allele origin: germline. Affected: no.

Ambry Genetics
Classification: Likely benign for Hereditary cancer-predisposing syndrome. Last evaluated: 2018-11-26. Review status: criteria provided, single submitter. Criteria: Ambry Variant Classification Scheme 2023. Collection method: clinical testing. Allele origin: germline.

NM_000548.5(TSC2):c.2250C>T (p.Leu750=)

Gene: TSC2 (TSC complex subunit 2; plus strand). Cytogenetic location: 16p13.3.
Variant type: single nucleotide variant.
Coding change: c.2250C>T on transcript NM_000548.5 (MANE Select); coding-DNA position 2250, C replaced by T.
Protein change: p.Leu750=; no amino-acid change (leucine 750 retained).
Molecular consequence: synonymous variant.
Genome position (GRCh38, 1-based): chr16:2,072,878, C>T. VCF-style: chr16-2072878-C-T. GRCh37 (hg19) VCF-style: chr16-2122879-C-T.
Other names: c.2250C>T, p.Leu750= (NM_001077183.3, NM_001114382.3, NM_001363528.2 and 3 more transcripts); c.2139C>T, p.Leu713= (NM_001318827.2); c.2103C>T, p.Leu701= (NM_001318829.2); c.1650C>T, p.Leu550= (NM_001318831.2); c.2283C>T, p.Leu761= (NM_001318832.2).
Identifiers: ClinVar variation 820966 (VCV000820966.17), dbSNP rs1387127083, ClinGen allele CA492952338.